The following is an entry in ClinVar:

NM_006000.3(TUBA4A):c.850G>A (p.Glu284Lys)

Gene: TUBA4A (tubulin alpha 4a; minus strand). Cytogenetic location: 2q35.
Variant type: single nucleotide variant.
Coding change: c.850G>A on transcript NM_006000.3 (MANE Select); coding-DNA position 850, G replaced by A.
Protein change: p.Glu284Lys; replaces glutamic acid 284 with lysine.
Molecular consequence: missense variant.
Genome position (GRCh38, 1-based): chr2:219,250,849, C>T on the plus strand (G>A on the coding strand, the complement: TUBA4A is on the minus strand). VCF-style: chr2-219250849-C-T. GRCh37 (hg19) VCF-style: chr2-220115571-C-T.
Other names: NM_006000.3(TUBA4A):c.850G>A; p.Glu284Lys; c.850G>A (NM_006000.2); c.805G>A, p.Glu269Lys (NM_001278552.2); short protein forms E284K, E269K.
Identifiers: ClinVar variation 3901254 (VCV003901254.5).

ClinVar aggregate classification (germline): Conflicting classifications of pathogenicity. Review status: criteria provided, conflicting classifications (1 of 4 stars). 5 submissions from 5 submitters: Likely pathogenic (3); Uncertain significance (1). 1 of the submissions does not count toward it. Last evaluated 2026-08-12.

Conditions:
Myo-tubulinopathy.
Congenital myopathy 26. Identifiers: MedGen C6012732, MONDO:0979229, OMIM 621225.
Oocyte/zygote/embryo maturation arrest 23. Identifiers: MedGen C6012734, MONDO:0979231, OMIM 621231.
TUBA4A-related disorder. Also called: TUBA4A-related condition.

Submissions (5):

Broad Center for Mendelian Genomics, Broad Institute of MIT and Harvard
Classification: Likely pathogenic for Congenital myopathy 26. Last evaluated: 2026-08-12. Review status: criteria provided, single submitter. Criteria: ACMG Guidelines, 2015. Collection method: research. Allele origin: germline. Inheritance: Autosomal dominant inheritance. Study: GREGoR Consortium.
Comment: The p.Glu284Lys variant in TUBA4A has been reported in 14 individuals with congenital myopathy (PMID: 41678358), segregated with disease in 7 affected relatives from 1 family (PMID: 41678358), and was absent from large population studies. This variant has also been reported in ClinVar (Variation ID: 3901254) and has been interpreted as pathogenic by OMIM. The number of reported affected individuals with this variant is greater than expected compared to non-affected individuals with this variant. Computational prediction tools and conservation analyses suggest that this variant may impact the protein, though this information is not predictive enough to determine pathogenicity. The number of missense variants reported in TUBA4A in the general population is lower than expected, suggesting there is little benign variation in this gene and slightly increasing the possibility that a missense variant in this gene may not be tolerated. In summary, although additional studies are required to fully establish its clinical significance, this variant is likely pathogenic for autosomal dominant congenital myopathy. ACMG/AMP Criteria applied: PP1_strong, PP3_moderate, PP2, PM2_supporting (Richards 2015).

PreventionGenetics, part of Exact Sciences
Classification: Likely pathogenic for TUBA4A-related condition. Last evaluated: 2026-03-24. Review status: criteria provided, single submitter. Criteria: ACMG Guidelines, 2015. Collection method: clinical testing. Allele origin: germline.
Comment: The TUBA4A c.850G>A variant is predicted to result in the amino acid substitution p.Glu284Lys. This variant has been reported in the heterozygous state in three females with infertility, with at least one case confirmed as de novo (Li et al. 2023. PubMed ID: 37024973; Li et al. 2023. PubMed ID: 39872894). Functional studies show that the alterations at Glu284 reduce the rate of blastocyst formation (Li et al. 2023. PubMed ID: 37024973; Li et al. 2023. PubMed ID: 39872894). This variant has not been reported in a large population database (gnomAD), indicating this variant is rare. Based on the available evidence, we interpret this variant as likely pathogenic for female infertility and as having uncertain significance for non-fertility related disorders.

3billion
Classification: Uncertain significance for TUBA4A-related disorder. Last evaluated: 2025-11-17. Review status: criteria provided, single submitter. Criteria: ACMG Guidelines, 2015. Collection method: clinical testing. Allele origin: germline. Affected: yes.
Comment: The variant is not observed in the gnomAD v4.1.0 dataset. Predicted Consequence/Location: Missense variant In silico tool predictions suggest damaging effect of the variant on gene or gene product [REVEL: 0.82 (>=0.6, sensitivity 0.68 and specificity 0.92); 3Cnet: 0.89 (> 0.75, sensitivity 0.96 and precision 0.92)]. The same nucleotide change resulting in the same amino acid change has been previously reported to be associated with TUBA4A-related disorder (ClinVar ID: VCV003901254 /PMID: 37024973). However, the evidence of pathogenicity is insufficient at this time. Therefore, this variant is classified as VUS according to the recommendation of ACMG/AMP guideline.

Harry Perkins Institute Of Medical Research, University Of Western Australia
Classification: Likely pathogenic for Myo-tubulinopathy. Review status: criteria provided, single submitter. Criteria: ACMG Guidelines, 2015. Collection method: research. Allele origin: inherited. Inheritance: Autosomal dominant inheritance. Affected: yes. Observed: 13 variant alleles.
Comment: PP3_Moderate, PM2_Moderate, PP2_Supporting, PP1_supporting

OMIM
Classification: Pathogenic for OOCYTE/ZYGOTE/EMBRYO MATURATION ARREST 23, AUTOSOMAL DOMINANT. Last evaluated: 2025-06-06. Review status: no assertion criteria provided. Collection method: literature only. Allele origin: germline. Not counted in ClinVar's aggregate classification.

Literature cited by the submitters: PubMed 37024973 (cited by 3billion and OMIM); PubMed 40666348 (cited by Harry Perkins Institute Of Medical Research, University Of Western Australia); PubMed 39872894 (cited by OMIM).